The following is an entry in ClinVar:

NM_002661.5(PLCG2):c.2270G>C (p.Arg757Thr)

Gene: PLCG2 (phospholipase C gamma 2; plus strand). Cytogenetic location: 16q23.3.
Variant type: single nucleotide variant.
Coding change: c.2270G>C on transcript NM_002661.5 (MANE Select); coding-DNA position 2270, G replaced by C.
Protein change: p.Arg757Thr; replaces arginine 757 with threonine.
Molecular consequence: missense variant.
Genome position (GRCh38, 1-based): chr16:81,921,232, G>C. VCF-style: chr16-81921232-G-C. GRCh37 (hg19) VCF-style: chr16-81954837-G-C.
Other names: short protein forms R757T.
Identifiers: ClinVar variation 2125154 (VCV002125154.4), dbSNP rs778269182, ClinGen allele CA8194161.

ClinVar aggregate classification (germline): Uncertain significance (1 of 4 stars; one submission).

Conditions:
Familial cold autoinflammatory syndrome 3 (FCAS3). Also called: ANTIBODY DEFICIENCY AND IMMUNE DYSREGULATION, PLCG2-ASSOCIATED; FAMILIAL ATYPICAL COLD URTICARIA. Identifiers: Orphanet 300359, MedGen C3280914, MONDO:0013766, OMIM 614468.

Allele frequency attached by ClinVar (database versions not stated): gnomAD exomes below 0.00001; TOPMed below 0.00001; ExAC 0.00001.
gnomAD v4.1: 4 of 1,608,888 alleles (0.00025%); highest among the groups gnomAD compares: Non-Finnish European, 0.00034%; no homozygotes.

Submission:

Labcorp Genetics (formerly Invitae), Labcorp
Classification: Uncertain significance for Familial cold autoinflammatory syndrome 3. Last evaluated: 2022-06-08. Review status: criteria provided, single submitter. Criteria: Invitae Variant Classification Sherloc (09022015). Collection method: clinical testing. Allele origin: germline.
Comment: This variant is present in population databases (rs778269182, gnomAD 0.0009%). In summary, the available evidence is currently insufficient to determine the role of this variant in disease. Therefore, it has been classified as a Variant of Uncertain Significance. Algorithms developed to predict the effect of missense changes on protein structure and function (SIFT, PolyPhen-2, Align-GVGD) all suggest that this variant is likely to be tolerated. This variant has not been reported in the literature in individuals affected with PLCG2-related conditions. This sequence change replaces arginine, which is basic and polar, with threonine, which is neutral and polar, at codon 757 of the PLCG2 protein (p.Arg757Thr).